The following is an entry in ClinVar:

ClinVar aggregate classification (germline): Conflicting classifications of pathogenicity. Review status: criteria provided, conflicting classifications (1 of 4 stars). 7 submissions from 7 submitters: Uncertain significance (2); Benign (2); Likely benign (3). Last evaluated 2026-04-27.

Conditions:
TCAP-related disorder. Also called: TCAP-related condition.
Cardiovascular phenotype. Identifiers: MedGen CN230736.
Hypertrophic cardiomyopathy 25 (CMH25). Also called: CARDIOMYOPATHY, FAMILIAL HYPERTROPHIC, 25. Identifiers: MedGen C4225408, MONDO:0011843, OMIM 607487.
Primary familial hypertrophic cardiomyopathy (HCM). Identifiers: Orphanet 99739, MedGen C0949658, MeSH D024741, MONDO:0024573. Inheritance: Various modes of inheritance.

Allele frequency attached by ClinVar (database versions not stated): gnomAD exomes 0.00002 and 0.00005; gnomAD 0.00015 and 0.00017; 1000 Genomes Project 30x 0.00016; ExAC 0.00009; 1000 Genomes Project 0.00020; TOPMed 0.00022; ESP Exome Variant Server 0.00023.

Submissions (7):

Clinical Genomics Laboratory, Washington University in St. Louis
Classification: Uncertain significance for Hypertrophic cardiomyopathy 25. Last evaluated: 2026-04-27. Review status: criteria provided, single submitter. Criteria: ACMG Guidelines, 2015. Collection method: clinical testing. Allele origin: germline.
Comment: A TCAP c.270G>A (p.Pro90=) variant was identified in a heterozygous state. This variant, to our knowledge, has not been reported in the medical literature. It has been reported in the ClinVar database as a germline benign/likely benign variant by four submitters and variant of uncertain significance by one submitter (Variation ID: 195198). It is observed in 18/275,140 alleles in the general population (gnomAD v2.1.1). Computational predictors suggest that the variant does not impact TCAP function. The clinical significance of this variant is uncertain.

Labcorp Genetics (formerly Invitae), Labcorp
Classification: Likely benign for Hypertrophic cardiomyopathy 25; Primary familial hypertrophic cardiomyopathy. Last evaluated: 2026-01-14. Review status: criteria provided, single submitter. Criteria: Invitae Variant Classification Sherloc (09022015). Collection method: clinical testing. Allele origin: germline.

PreventionGenetics, part of Exact Sciences
Classification: Likely benign for TCAP-related condition. Last evaluated: 2026-01-06. Review status: criteria provided, single submitter. Criteria: ACMG Guidelines, 2015. Collection method: clinical testing. Allele origin: germline.
Comment: This variant is classified as likely benign based on ACMG/AMP sequence variant interpretation guidelines (Richards et al. 2015 PMID: 25741868, with internal and published modifications).

Women's Health and Genetics/Laboratory Corporation of America, LabCorp
Classification: Benign. Last evaluated: 2020-08-30. Review status: criteria provided, single submitter. Criteria: LabCorp Variant Classification Summary - May 2015. Collection method: clinical testing. Allele origin: germline.

Ambry Genetics
Classification: Likely benign for Cardiovascular phenotype. Last evaluated: 2019-10-18. Review status: criteria provided, single submitter. Criteria: Ambry Variant Classification Scheme 2023. Collection method: clinical testing. Allele origin: germline.

Eurofins Ntd Llc (ga)
Classification: Uncertain significance. Last evaluated: 2015-04-09. Review status: criteria provided, single submitter. Criteria: EGL Classification Definitions 2015. Collection method: clinical testing. Allele origin: germline. Observed: 2 variant alleles, 2 heterozygotes.

GeneDx
Classification: Benign. Last evaluated: 2014-09-26. Review status: criteria provided, single submitter. Criteria: GeneDx Variant Classification (06012015). Collection method: clinical testing. Allele origin: germline. Affected: yes.
Comment: This variant is considered likely benign or benign based on one or more of the following criteria: it is a conservative change, it occurs at a poorly conserved position in the protein, it is predicted to be benign by multiple in silico algorithms, and/or has population frequency not consistent with disease.

NM_003673.4(TCAP):c.270G>A (p.Pro90=)

Gene: TCAP (titin-cap; plus strand). Cytogenetic location: 17q12.
Variant type: single nucleotide variant.
Coding change: c.270G>A on transcript NM_003673.4 (MANE Select); coding-DNA position 270, G replaced by A.
Protein change: p.Pro90=; no amino-acid change (proline 90 retained).
Molecular consequence: synonymous variant.
Genome position (GRCh38, 1-based): chr17:39,665,875, G>A. VCF-style: chr17-39665875-G-A. GRCh37 (hg19) VCF-style: chr17-37822128-G-A.
Identifiers: ClinVar variation 195198 (VCV000195198.21), dbSNP rs372538567, ClinGen allele CA241513.
Genomic context (GRCh38, chr17:39,665,875, plus strand): 5'-GATGGGCATCCTCGGCCGTGGGCTGCAGGAGTACCAGCTGCCCTACCAGCGGGTACTGCC[G>A]CTGCCCATCTTCACCCCTGCCAAGATGGGCGCCACCAAGGAGGAGCGTGAGGACACCCCC-3'
Protein context (NP_003664.1, residues 80-100): EYQLPYQRVL[Pro90=]LPIFTPAKMG